The following is an entry in ClinVar:

ClinVar aggregate classification (germline): Uncertain significance. Review status: criteria provided, multiple submitters, no conflicts (2 of 4 stars). 2 submissions from 2 submitters: Uncertain significance (2). Last evaluated 2022-05-03.

Conditions:
Congenital myotonia, autosomal recessive form. Also called: BECKER DISEASE; Becker Generalized Myotonia; myotonia congenita, autosomal recessive. Identifiers: Orphanet 614, MedGen C0751360, MONDO:0009715, OMIM 255700.
Congenital myotonia, autosomal dominant form (THD). Also called: THOMSEN DISEASE; Myotonia congenita autosomal dominant. Identifiers: Orphanet 614, MedGen C2936781, MONDO:0008055, OMIM 160800.

Allele frequency attached by ClinVar (database versions not stated): gnomAD 0.00001; TOPMed 0.00002; ExAC 0.00004.
gnomAD v4.1: 20 of 1,613,096 alleles (0.0012%); highest among the groups gnomAD compares: East Asian, 0.013%; no homozygotes.

Submissions (2):

Labcorp Genetics (formerly Invitae), Labcorp
Classification: Uncertain significance for Congenital myotonia, autosomal recessive form; Congenital myotonia, autosomal dominant form. Last evaluated: 2022-05-03. Review status: criteria provided, single submitter. Criteria: Invitae Variant Classification Sherloc (09022015). Collection method: clinical testing. Allele origin: germline.
Comment: This sequence change replaces glutamic acid, which is acidic and polar, with lysine, which is basic and polar, at codon 980 of the CLCN1 protein (p.Glu980Lys). This variant is present in population databases (rs759576185, gnomAD 0.05%). This variant has not been reported in the literature in individuals affected with CLCN1-related conditions. Algorithms developed to predict the effect of missense changes on protein structure and function (SIFT, PolyPhen-2, Align-GVGD) all suggest that this variant is likely to be tolerated. In summary, the available evidence is currently insufficient to determine the role of this variant in disease. Therefore, it has been classified as a Variant of Uncertain Significance.

Revvity Omics, Revvity
Classification: Uncertain significance. Last evaluated: 2019-06-18. Review status: criteria provided, single submitter. Criteria: ACMG Guidelines, 2015. Collection method: clinical testing. Allele origin: germline.

NM_000083.3(CLCN1):c.2938G>A (p.Glu980Lys)

Gene: CLCN1 (chloride voltage-gated channel 1; plus strand). Cytogenetic location: 7q34.
Variant type: single nucleotide variant.
Coding change: c.2938G>A on transcript NM_000083.3 (MANE Select); coding-DNA position 2938, G replaced by A.
Protein change: p.Glu980Lys; replaces glutamic acid 980 with lysine.
Molecular consequence: missense variant. On other transcripts: non-coding transcript variant (1).
Genome position (GRCh38, 1-based): chr7:143,351,936, G>A. VCF-style: chr7-143351936-G-A. GRCh37 (hg19) VCF-style: chr7-143049029-G-A.
Other names: c.2938G>A (NM_000083.2); short protein forms E980K.
Identifiers: ClinVar variation 2062118 (VCV002062118.4), dbSNP rs759576185, ClinGen allele CA4537819.
Genomic context (GRCh38, chr7:143,351,936, plus strand): 5'-CCAGGGCTGGAAGAGGAGCTGGCCGACATCTTGCAGGGCCCCAGCCTGCGATCCACAGAC[G>A]AGGAGGATGAGGATGAACTGATCCTTTGACCCCCTCCCACGACCTCCTCATAAAGACCGT-3'
Protein context (NP_000074.3, residues 970-988): LQGPSLRSTD[Glu980Lys]EDEDELIL